The following is an entry in ClinVar:

NM_001102401.4(TTI2):c.796C>T (p.Leu266=)

Gene: TTI2 (TELO2 interacting protein 2; minus strand). Cytogenetic location: 8p12.
Variant type: single nucleotide variant.
Coding change: c.796C>T on transcript NM_001102401.4 (MANE Select); coding-DNA position 796, C replaced by T.
Protein change: p.Leu266=; no amino-acid change (leucine 266 retained).
Molecular consequence: synonymous variant.
Genome position (GRCh38, 1-based): chr8:33,509,784, G>A on the plus strand (C>T on the coding strand, the complement: TTI2 is on the minus strand). VCF-style: chr8-33509784-G-A. GRCh37 (hg19) VCF-style: chr8-33367302-G-A.
Other names: c.796C>T, p.Leu266= (NM_001265581.2, NM_001330505.3, NM_025115.5).
Identifiers: ClinVar variation 3042945 (VCV003042945.2), dbSNP rs765413522, ClinGen allele CA4707256.

ClinVar aggregate classification (germline): Likely benign (0 of 4 stars; one submission).

Conditions:
TTI2-related disorder. Also called: TTI2-related condition.

Allele frequency attached by ClinVar (database versions not stated): gnomAD exomes below 0.00001; ExAC 0.00001; gnomAD 0.00001.
gnomAD v4.1: 4 of 1,614,120 alleles (0.00025%); highest among the groups gnomAD compares: Middle Eastern, 0.016%; no homozygotes.

Submission:

PreventionGenetics, part of Exact Sciences
Classification: Likely benign for TTI2-related condition. Last evaluated: 2019-04-10. Review status: no assertion criteria provided. Collection method: clinical testing. Allele origin: germline.
Comment: This variant is classified as likely benign based on ACMG/AMP sequence variant interpretation guidelines (Richards et al. 2015 PMID: 25741868, with internal and published modifications).